The following is an entry in ClinVar:

ClinVar aggregate classification (germline): Uncertain significance (1 of 4 stars; one submission).

Submission:

GeneDx
Classification: Uncertain significance. Last evaluated: 2025-07-23. Review status: criteria provided, single submitter. Criteria: GeneDx Variant Classification Process June 2021. Collection method: clinical testing. Allele origin: germline. Affected: yes.
Comment: Not observed at significant frequency in large population cohorts (gnomAD); In silico analysis suggests that this missense variant does not alter protein structure/function; Has not been previously published as pathogenic or benign to our knowledge

NM_031475.3(ESPN):c.363C>G (p.Asn121Lys)

Gene: ESPN (espin; plus strand). Cytogenetic location: 1p36.31.
Variant type: single nucleotide variant.
Coding change: c.363C>G on transcript NM_031475.3 (MANE Select); coding-DNA position 363, C replaced by G.
Protein change: p.Asn121Lys; replaces asparagine 121 with lysine.
Molecular consequence: missense variant.
Genome position (GRCh38, 1-based): chr1:6,428,294, C>G. VCF-style: chr1-6428294-C-G. GRCh37 (hg19) VCF-style: chr1-6488354-C-G.
Other names: c.363C>G, p.Asn121Lys (NM_001367473.1, NM_001367474.1); short protein forms N121K.
Identifiers: ClinVar variation 4686897 (VCV004686897.1).